The following is an entry in ClinVar:

NM_022552.5(DNMT3A):c.1102G>A (p.Ala368Thr)

Gene: DNMT3A (DNA methyltransferase 3 alpha; minus strand). Cytogenetic location: 2p23.3.
Variant type: single nucleotide variant.
Coding change: c.1102G>A on transcript NM_022552.5 (MANE Select); coding-DNA position 1102, G replaced by A.
Protein change: p.Ala368Thr; replaces alanine 368 with threonine.
Molecular consequence: missense variant. On other transcripts: non-coding transcript variant (1).
Genome position (GRCh38, 1-based): chr2:25,247,071, C>T on the plus strand (G>A on the coding strand, the complement: DNMT3A is on the minus strand). VCF-style: chr2-25247071-C-T. GRCh37 (hg19) VCF-style: chr2-25469940-C-T.
Other names: c.646G>A, p.Ala216Thr (NM_001320893.1); c.433G>A, p.Ala145Thr (NM_001375819.1); c.535G>A, p.Ala179Thr (NM_153759.3); c.1102G>A, p.Ala368Thr (NM_175629.2); short protein forms A368T, A145T, A179T, A216T.
Identifiers: ClinVar variation 2106931 (VCV002106931.4), dbSNP rs1347653303, ClinGen allele CA346073355.

ClinVar aggregate classification (germline): Uncertain significance (1 of 4 stars; one submission).

Conditions:
Tatton-Brown-Rahman overgrowth syndrome. Also called: Tall stature-intellectual disability-facial dysmorphism syndrome; Tatton-Brown-Rahman syndrome. Identifiers: Orphanet 404443, MedGen C4014545, MONDO:0014382, OMIM 615879.

Allele frequency attached by ClinVar (database versions not stated): gnomAD exomes below 0.00001.
gnomAD v4.1: 3 of 1,614,124 alleles (0.00019%); highest among the groups gnomAD compares: Non-Finnish European, 0.00025%; no homozygotes.

Submission:

Labcorp Genetics (formerly Invitae), Labcorp
Classification: Uncertain significance for Tatton-Brown-Rahman overgrowth syndrome. Last evaluated: 2022-06-11. Review status: criteria provided, single submitter. Criteria: Invitae Variant Classification Sherloc (09022015). Collection method: clinical testing. Allele origin: germline.
Comment: In summary, the available evidence is currently insufficient to determine the role of this variant in disease. Therefore, it has been classified as a Variant of Uncertain Significance. Algorithms developed to predict the effect of missense changes on protein structure and function (SIFT, PolyPhen-2, Align-GVGD) all suggest that this variant is likely to be disruptive. This variant has not been reported in the literature in individuals affected with DNMT3A-related conditions. The frequency data for this variant in the population databases is considered unreliable, as metrics indicate poor data quality at this position in the gnomAD database. This sequence change replaces alanine, which is neutral and non-polar, with threonine, which is neutral and polar, at codon 368 of the DNMT3A protein (p.Ala368Thr).